The following is an entry in ClinVar:

ClinVar aggregate classification (germline): Likely benign (0 of 4 stars; one submission).

Conditions:
DUSP22-related disorder. Also called: DUSP22-related condition.

Allele frequency attached by ClinVar (database versions not stated): gnomAD exomes 0.00003; 1000 Genomes Project 30x 0.00016; ExAC 0.00017; 1000 Genomes Project 0.00020; gnomAD 0.00036; ESP Exome Variant Server 0.00069.
gnomAD v4.1: 105 of 1,606,016 alleles (0.0065%); highest among the groups gnomAD compares: African/African-American, 0.12%; no homozygotes.

Submission:

PreventionGenetics, part of Exact Sciences
Classification: Likely benign for DUSP22-related condition. Last evaluated: 2022-03-08. Review status: no assertion criteria provided. Collection method: clinical testing. Allele origin: germline.
Comment: This variant is classified as likely benign based on ACMG/AMP sequence variant interpretation guidelines (Richards et al. 2015 PMID: 25741868, with internal and published modifications).

NM_001286555.3(DUSP22):c.-5C>T

Gene: DUSP22 (dual specificity phosphatase 22; plus strand). Cytogenetic location: 6p25.3.
Variant type: single nucleotide variant.
Coding change: c.-5C>T on transcript NM_001286555.3 (MANE Select); 5 bases upstream of the start codon, C replaced by T.
Molecular consequence: 5 prime UTR variant. On other transcripts: non-coding transcript variant (3).
Genome position (GRCh38, 1-based): chr6:292,535, C>T. VCF-style: chr6-292535-C-T. GRCh37 (hg19) VCF-style: chr6-292535-C-T.
Other names: c.-5C>T (NM_020185.6).
Identifiers: ClinVar variation 3051817 (VCV003051817.2), dbSNP rs375538067, ClinGen allele CA3612063.